The following is an entry in ClinVar:

ClinVar aggregate classification (germline): Benign/Likely benign. Review status: criteria provided, multiple submitters, no conflicts (2 of 4 stars). 9 submissions from 9 submitters: Benign (3); Likely benign (3). 3 of the submissions do not count toward it. Last evaluated 2026-02-03.

Conditions:
Hermansky-Pudlak syndrome (HPS). Also called: ALBINISM WITH HEMORRHAGIC DIATHESIS AND PIGMENTED RETICULOENDOTHELIAL CELLS. Identifiers: Orphanet 79430, MedGen C0079504, MONDO:0019312.
Hermansky-Pudlak syndrome 1 (HPS1). Also called: DELTA STORAGE POOL DISEASE. Identifiers: Orphanet 231500, Orphanet 79430, MedGen C2931875, MONDO:0008748, OMIM 203300.

Allele frequency attached by ClinVar (database versions not stated): ExAC 0.00161; gnomAD 0.00402 and 0.00426; ESP Exome Variant Server 0.00423; 1000 Genomes Project 0.00459; 1000 Genomes Project 30x 0.00468; TOPMed 0.00488.
gnomAD v4.1: 1,901 of 1,614,066 alleles (0.12%); highest among the groups gnomAD compares: African/African-American, 1.3%; 17 homozygotes.

Submissions (9):

Labcorp Genetics (formerly Invitae), Labcorp
Classification: Benign. Last evaluated: 2026-02-03. Review status: criteria provided, single submitter. Criteria: Invitae Variant Classification Sherloc (09022015). Collection method: clinical testing. Allele origin: germline.

Genomic Medicine Center of Excellence, King Faisal Specialist Hospital and Research Centre
Classification: Likely benign. Last evaluated: 2025-08-18. Review status: criteria provided, single submitter. Criteria: ACMG Guidelines, 2015. Collection method: clinical testing. Allele origin: germline.

CeGaT Center for Human Genetics Tuebingen
Classification: Likely benign. Last evaluated: 2025-07-01. Review status: criteria provided, single submitter. Criteria: CeGaT Center For Human Genetics Tuebingen Variant Classification Criteria Version 2. Collection method: clinical testing. Allele origin: germline. Affected: yes. Observed: 1 variant allele.
Comment: HPS1: BP4, BS2

Women's Health and Genetics/Laboratory Corporation of America, LabCorp
Classification: Likely benign. Last evaluated: 2022-05-03. Review status: criteria provided, single submitter. Criteria: LabCorp Variant Classification Summary - May 2015. Collection method: clinical testing. Allele origin: germline.

Illumina Laboratory Services, Illumina
Classification: Benign for Hermansky-Pudlak syndrome 1. Last evaluated: 2018-01-12. Review status: criteria provided, single submitter. Criteria: ICSL Variant Classification Criteria 13 December 2019. Collection method: clinical testing. Allele origin: germline.
Comment: This variant was observed in the ICSL laboratory as part of a predisposition screen in an ostensibly healthy population. It had not been previously curated by ICSL or reported in the Human Gene Mutation Database (HGMD: prior to June 1st, 2018), and was therefore a candidate for classification through an automated scoring system. Utilizing variant allele frequency, disease prevalence and penetrance estimates, and inheritance mode, an automated score was calculated to assess if this variant is too frequent to cause the disease. Based on the score and internal cut-off values, a variant classified as benign is not then subjected to further curation. The score for this variant resulted in a classification of benign for this disease.

Breakthrough Genomics
Classification: Benign. Review status: criteria provided, single submitter. Criteria: ACMG Guidelines, 2015. Collection method: not provided. Allele origin: germline. Inheritance: Autosomal recessive inheritance. Affected: yes.

Natera, Inc.
Classification: Benign for Hermansky-Pudlak syndrome. Last evaluated: 2020-07-19. Review status: no assertion criteria provided. Collection method: clinical testing. Allele origin: germline. Not counted in ClinVar's aggregate classification.

Clinical Genetics DNA and cytogenetics Diagnostics Lab, Erasmus MC, Erasmus Medical Center
Classification: Benign. Review status: no assertion criteria provided. Collection method: clinical testing. Allele origin: germline. Affected: yes. Study: VKGL Data-share Consensus. Not counted in ClinVar's aggregate classification.

Clinical Genetics, Academic Medical Center
Classification: Benign. Review status: no assertion criteria provided. Collection method: clinical testing. Allele origin: germline. Affected: yes. Study: VKGL Data-share Consensus. Not counted in ClinVar's aggregate classification.

NM_000195.5(HPS1):c.27G>C (p.Glu9Asp)

Gene: HPS1 (HPS1 biogenesis of lysosomal organelles complex 3 subunit 1; minus strand). Cytogenetic location: 10q24.2.
Variant type: single nucleotide variant.
Coding change: c.27G>C on transcript NM_000195.5 (MANE Select); coding-DNA position 27, G replaced by C.
Protein change: p.Glu9Asp; replaces glutamic acid 9 with aspartic acid.
Molecular consequence: missense variant. On other transcripts: 5 prime UTR variant (6).
Genome position (GRCh38, 1-based): chr10:98,443,214, C>G on the plus strand (G>C on the coding strand, the complement: HPS1 is on the minus strand). VCF-style: chr10-98443214-C-G. GRCh37 (hg19) VCF-style: chr10-100202971-C-G.
Other names: c.-890G>C (NM_001311345.2); c.27G>C, p.Glu9Asp (NM_001322476.2, NM_001322477.2, NM_001322478.2 and 8 more transcripts); c.-200G>C (NM_001322483.2, NM_001322484.2, NM_001322485.2); c.-989G>C (NM_001322487.2); c.-747G>C (NM_001322489.2); short protein forms E9D.
Identifiers: ClinVar variation 298356 (VCV000298356.30), dbSNP rs7914192, ClinGen allele CA5639532.